The following is an entry in ClinVar:

NM_005876.5(SPEG):c.6853C>G (p.Pro2285Ala)

Genes: ASIC4-AS1 (ASIC4 antisense RNA 1; minus strand), SPEG (striated muscle enriched protein kinase; plus strand). Cytogenetic location: 2q35.
Variant type: single nucleotide variant.
Coding change: c.6853C>G on transcript NM_005876.5 (MANE Select); coding-DNA position 6853, C replaced by G.
Protein change: p.Pro2285Ala; replaces proline 2285 with alanine.
Molecular consequence: missense variant.
Genome position (GRCh38, 1-based): chr2:219,484,316, C>G. VCF-style: chr2-219484316-C-G. GRCh37 (hg19) VCF-style: chr2-220349038-C-G.
Other names: short protein forms P2285A.
Identifiers: ClinVar variation 1466092 (VCV001466092.5), dbSNP rs533728892, ClinGen allele CA2127135.

ClinVar aggregate classification (germline): Uncertain significance (1 of 4 stars; one submission).

Allele frequency attached by ClinVar (database versions not stated): gnomAD 0.00003 and 0.00004; gnomAD exomes 0.00003 and 0.00007; ExAC 0.00004; TOPMed 0.00004; 1000 Genomes Project 0.00040; 1000 Genomes Project 30x 0.00047.
gnomAD v4.1: 115 of 1,604,510 alleles (0.0072%); highest among the groups gnomAD compares: Non-Finnish European, 0.0092%; no homozygotes.

Submission:

Labcorp Genetics (formerly Invitae), Labcorp
Classification: Uncertain significance. Last evaluated: 2024-08-08. Review status: criteria provided, single submitter. Criteria: Invitae Variant Classification Sherloc (09022015). Collection method: clinical testing. Allele origin: germline.
Comment: This sequence change replaces proline, which is neutral and non-polar, with alanine, which is neutral and non-polar, at codon 2285 of the SPEG protein (p.Pro2285Ala). This variant is present in population databases (rs533728892, gnomAD 0.006%). This variant has not been reported in the literature in individuals affected with SPEG-related conditions. ClinVar contains an entry for this variant (Variation ID: 1466092). An algorithm developed to predict the effect of missense changes on protein structure and function (PolyPhen-2) suggests that this variant is likely to be tolerated. In summary, the available evidence is currently insufficient to determine the role of this variant in disease. Therefore, it has been classified as a Variant of Uncertain Significance.